The following is an entry in ClinVar:

ClinVar aggregate classification (germline): Uncertain significance. Review status: criteria provided, single submitter (1 of 4 stars). 2 submissions from 2 submitters: Uncertain significance (1). 1 of the submissions does not count toward it. Last evaluated 2025-06-15.

Conditions:
COL1A1-related disorder. Also called: COL1A1- related disease; COL1A1-related condition.
Osteogenesis imperfecta type I (OI1). Also called: OI, TYPE I; OSTEOGENESIS IMPERFECTA TARDA; OSTEOGENESIS IMPERFECTA WITH BLUE SCLERAE; Osteogenesis imperfecta type 1; Lobstein's Disease; Lobstein disease. Identifiers: Orphanet 216796, Orphanet 666, MedGen C0023931, MONDO:0008146, OMIM 166200. Disease mechanism: loss of function.

gnomAD v4.1: 11 of 1,614,066 alleles (0.00068%); highest among the groups gnomAD compares: Non-Finnish European, 0.00093%; no homozygotes.

Submissions (2):

Labcorp Genetics (formerly Invitae), Labcorp
Classification: Uncertain significance for Osteogenesis imperfecta type I. Last evaluated: 2025-06-15. Review status: criteria provided, single submitter. Criteria: Invitae Variant Classification Sherloc (09022015). Collection method: clinical testing. Allele origin: germline.
Comment: This sequence change replaces glycine, which is neutral and non-polar, with aspartic acid, which is acidic and polar, at codon 44 of the COL1A1 protein (p.Gly44Asp). This variant is not present in population databases (gnomAD no frequency). This variant has not been reported in the literature in individuals affected with COL1A1-related conditions. ClinVar contains an entry for this variant (Variation ID: 3358232). Invitae Evidence Modeling of protein sequence and biophysical properties (such as structural, functional, and spatial information, amino acid conservation, physicochemical variation, residue mobility, and thermodynamic stability) has been performed for this missense variant. However, the output from this modeling did not meet the statistical confidence thresholds required to predict the impact of this variant on COL1A1 protein function. In summary, the available evidence is currently insufficient to determine the role of this variant in disease. Therefore, it has been classified as a Variant of Uncertain Significance.

PreventionGenetics, part of Exact Sciences
Classification: Uncertain significance for COL1A1-related condition. Last evaluated: 2024-07-18. Review status: no assertion criteria provided. Collection method: clinical testing. Allele origin: germline. Not counted in ClinVar's aggregate classification.
Comment: The COL1A1 c.131G>A variant is predicted to result in the amino acid substitution p.Gly44Asp. To our knowledge, this variant has not been reported in the literature or in a large population database, indicating this variant is rare. At this time, the clinical significance of this variant is uncertain due to the absence of conclusive functional and genetic evidence.

NM_000088.4(COL1A1):c.131G>A (p.Gly44Asp)

Gene: COL1A1 (collagen type I alpha 1 chain; minus strand). Cytogenetic location: 17q21.33.
Variant type: single nucleotide variant.
Coding change: c.131G>A on transcript NM_000088.4 (MANE Select); coding-DNA position 131, G replaced by A.
Protein change: p.Gly44Asp; replaces glycine 44 with aspartic acid.
Molecular consequence: missense variant.
Genome position (GRCh38, 1-based): chr17:50,199,920, C>T on the plus strand (G>A on the coding strand, the complement: COL1A1 is on the minus strand). VCF-style: chr17-50199920-C-T. GRCh37 (hg19) VCF-style: chr17-48277281-C-T.
Other names: short protein forms G44D.
Identifiers: ClinVar variation 3358232 (VCV003358232.3).
Genomic context (GRCh38, chr17:50,199,920, plus strand): 5'-TCGCAGACGCAGATCCGGCAGGGCTCGGGTTTCCACACGTCTCGGTCATGGTACCTGAGG[C>T]CGTTCTGTACGCAGGTGATTGGTGGGACTGGGACAGGCGGAAGAGGGGCGTTGTCAGTAG-3'
Protein context (NP_000079.2, residues 34-54): DIPPITCVQN[Gly44Asp]LRYHDRDVWK